The following is an entry in ClinVar:

ClinVar aggregate classification (germline): Pathogenic (0 of 4 stars; one submission).

Submission:

GenMed Metabolism Lab
Classification: Pathogenic. Review status: no assertion criteria provided. Collection method: not provided. Allele origin: unknown.
ClinVar note: Converted during submission from pathogenic to Pathogenic.

NM_000531.6(OTC):c.1018T>C (p.Ser340Pro)

Gene: OTC (ornithine transcarbamylase; plus strand). Cytogenetic location: Xp11.4.
Variant type: single nucleotide variant.
Coding change: c.1018T>C on transcript NM_000531.6 (MANE Select); coding-DNA position 1018, T replaced by C.
Protein change: p.Ser340Pro; replaces serine 340 with proline.
Molecular consequence: missense variant.
Genome position (GRCh38, 1-based): chrX:38,421,035, T>C. VCF-style: chrX-38421035-T-C. GRCh37 (hg19) VCF-style: chrX-38280288-T-C.
Other names: short protein forms S340P.
Identifiers: ClinVar variation 97097 (VCV000097097.2), dbSNP rs72558489, ClinGen allele CA224439.